The following is an entry in ClinVar:

NM_001130144.3(LTBP3):c.3519A>G (p.Gln1173=)

Gene: LTBP3 (latent transforming growth factor beta binding protein 3; minus strand). Cytogenetic location: 11q13.1.
Variant type: single nucleotide variant.
Coding change: c.3519A>G on transcript NM_001130144.3 (MANE Select); coding-DNA position 3519, A replaced by G.
Protein change: p.Gln1173=; no amino-acid change (glutamine 1173 retained).
Molecular consequence: synonymous variant.
Genome position (GRCh38, 1-based): chr11:65,539,748, T>C on the plus strand (A>G on the coding strand, the complement: LTBP3 is on the minus strand). VCF-style: chr11-65539748-T-C. GRCh37 (hg19) VCF-style: chr11-65307219-T-C.
Other names: c.3027A>G, p.Gln1009= (NM_001164266.1); c.3378A>G, p.Gln1126= (NM_021070.4).
Identifiers: ClinVar variation 772609 (VCV000772609.16), dbSNP rs538479771, ClinGen allele CA6100269.
Genomic context (GRCh38, chr11:65,539,748, plus strand): 5'-GCTCCCGGCCAACTCCTCCCCGACTGCCTTACCCGCGCCGCGCGGCGGGCACGGTCGGCA[T>C]TGGGCGCCCCAGCCGCGGCCCTGGCGGCAGCAGCAGTCGTCGAAGGTGAGGGCAGGCCCG-3'
Protein context (NP_001123616.1, residues 1163-1183): CCRQGRGWGA[Gln1173=]CRPCPPRGAG

ClinVar aggregate classification (germline): Benign/Likely benign. Review status: criteria provided, multiple submitters, no conflicts (2 of 4 stars). 5 submissions from 5 submitters: Benign (1); Likely benign (3). 1 of the submissions does not count toward it. Last evaluated 2025-12-15.

Conditions:
LTBP3-related disorder. Also called: LTBP3-related condition.
Geleophysic dysplasia 3. Identifiers: MedGen C4540511, MONDO:0054722, OMIM 617809.
Brachyolmia-amelogenesis imperfecta syndrome. Also called: Tooth agenesis, selective, 6; Dental anomalies and short stature; PLATYSPONDYLY WITH AMELOGENESIS IMPERFECTA. Identifiers: Orphanet 2899, MedGen C1832594, MONDO:0011018, OMIM 601216. Disease mechanism: loss of function.
Inborn genetic diseases. Identifiers: MedGen C0950123, MeSH D030342.

Allele frequency attached by ClinVar (database versions not stated): gnomAD exomes 0.00006 and 0.00024; gnomAD 0.00007 and 0.00011; TOPMed 0.00013; ExAC 0.00038; 1000 Genomes Project 0.00040; 1000 Genomes Project 30x 0.00047.
gnomAD v4.1: 95 of 1,545,876 alleles (0.0061%); highest among the groups gnomAD compares: East Asian, 0.19%; no homozygotes.

Submissions (5):

Labcorp Genetics (formerly Invitae), Labcorp
Classification: Benign for Brachyolmia-amelogenesis imperfecta syndrome. Last evaluated: 2025-12-15. Review status: criteria provided, single submitter. Criteria: Invitae Variant Classification Sherloc (09022015). Collection method: clinical testing. Allele origin: germline.

Blueprint Genetics
Classification: Likely benign. Last evaluated: 2024-10-10. Review status: criteria provided, single submitter. Criteria: ACMG Guidelines, 2015. Collection method: clinical testing. Allele origin: germline.

Fulgent Genetics
Classification: Likely benign for Brachyolmia-amelogenesis imperfecta syndrome; Geleophysic dysplasia 3. Last evaluated: 2022-05-06. Review status: criteria provided, single submitter. Criteria: ACMG Guidelines, 2015. Collection method: clinical testing. Allele origin: unknown.

Ambry Genetics
Classification: Likely benign for Inborn genetic diseases. Last evaluated: 2019-10-30. Review status: criteria provided, single submitter. Criteria: Ambry Variant Classification Scheme 2023. Collection method: clinical testing. Allele origin: germline.

PreventionGenetics, part of Exact Sciences
Classification: Likely benign for LTBP3-related condition. Last evaluated: 2019-08-20. Review status: no assertion criteria provided. Collection method: clinical testing. Allele origin: germline. Not counted in ClinVar's aggregate classification.
Comment: This variant is classified as likely benign based on ACMG/AMP sequence variant interpretation guidelines (Richards et al. 2015 PMID: 25741868, with internal and published modifications).